The following is an entry in ClinVar:

NM_001189.4(NKX3-2):c.76G>C (p.Gly26Arg)

Gene: NKX3-2 (NK3 homeobox 2; minus strand). Cytogenetic location: 4p15.33.
Variant type: single nucleotide variant.
Coding change: c.76G>C on transcript NM_001189.4 (MANE Select); coding-DNA position 76, G replaced by C.
Protein change: p.Gly26Arg; replaces glycine 26 with arginine.
Molecular consequence: missense variant.
Genome position (GRCh38, 1-based): chr4:13,544,339, C>G on the plus strand (G>C on the coding strand, the complement: NKX3-2 is on the minus strand). VCF-style: chr4-13544339-C-G. GRCh37 (hg19) VCF-style: chr4-13545963-C-G.
Other names: short protein forms G26R.
Identifiers: ClinVar variation 1491778 (VCV001491778.8), dbSNP rs1337519419, ClinGen allele CA356378070.
Genomic context (GRCh38, chr4:13,544,339, plus strand): 5'-CCGCGGCCACCGATGCCGCTGTGCCCCCGGGCGCCGGGCGCCCCTCTGGCGCGGCCAGCC[C>G]GCCGCGCTCCTCTTTCTTGTTGAGGATCGCCTGGATGGAGAAGGACGTCAAGGTGTTGGC-3'
Protein context (NP_001180.1, residues 16-36): AILNKKEERG[Gly26Arg]LAAPEGRPAP

ClinVar aggregate classification (germline): Uncertain significance (1 of 4 stars; one submission).

Submission:

Labcorp Genetics (formerly Invitae), Labcorp
Classification: Uncertain significance. Last evaluated: 2023-12-11. Review status: criteria provided, single submitter. Criteria: Invitae Variant Classification Sherloc (09022015). Collection method: clinical testing. Allele origin: germline.
Comment: This sequence change replaces glycine, which is neutral and non-polar, with arginine, which is basic and polar, at codon 26 of the NKX3-2 protein (p.Gly26Arg). This variant is not present in population databases (gnomAD no frequency). This variant has not been reported in the literature in individuals affected with NKX3-2-related conditions. ClinVar contains an entry for this variant (Variation ID: 1491778). Algorithms developed to predict the effect of missense changes on protein structure and function output the following: SIFT: "Not Available"; PolyPhen-2: "Benign"; Align-GVGD: "Not Available". The arginine amino acid residue is found in multiple mammalian species, which suggests that this missense change does not adversely affect protein function. In summary, the available evidence is currently insufficient to determine the role of this variant in disease. Therefore, it has been classified as a Variant of Uncertain Significance.